The following is an entry in ClinVar:

NM_007294.4(BRCA1):c.5277+2249_5406+545del

Gene: BRCA1 (BRCA1 DNA repair associated; minus strand). Cytogenetic location: 17q21.31.
Variant type: Deletion.
Coding change: c.5277+2249_5406+545del on transcript NM_007294.4 (MANE Select); 2249 bases into the intron after coding-DNA position 5277 through 545 bases into the intron after coding-DNA position 5406, 6,228 bases deleted.
Molecular consequence: splice acceptor variant, splice donor variant. On other transcripts: intron variant (2).
Genome position (GRCh38, 1-based): chr17:43,048,576-43,054,803, 6,228 bases deleted. GRCh37 (hg19): chr17:41,200,617-41,206,844.
Other names: c.5136+2249_5265+545del (NM_001407698.1, NM_001407694.1, NM_001407696.1 and 12 more transcripts); c.1887+2249_2016+545del (NM_001408413.1, NM_001408416.1, NM_001408414.1 and 2 more transcripts); c.5193+2249_5322+545del (NM_001407660.1, NM_001407661.1, NM_001407663.1 and 2 more transcripts); c.1764+2249_1893+545del (NM_001408476.1, NM_001408475.1); c.1767+2249_1896+545del (NM_001408474.1); c.5076+2249_5205+545del (NM_001407862.1); c.1956+2249_2085+545del (NM_001408409.1); c.5196+2249_5325+545del (NM_001407658.1, NM_001407656.1, NM_001407657.1); and 84 more.
Identifiers: ClinVar variation 598936 (VCV000598936.5), ClinGen allele CA913191183.

ClinVar aggregate classification (germline): Pathogenic (0 of 4 stars; one submission).

Conditions:
Hereditary breast ovarian cancer syndrome. Also called: Breast and ovarian cancer; Hereditary breast and ovarian cancer syndrome; Hereditary breast and ovarian cancer; Hereditary breast and ovarian cancer syndrome (HBOC); Hereditary breast and/or ovarian cancer syndrome; BRCA1- and BRCA2-Associated Hereditary Breast and Ovarian Cancer. Identifiers: Orphanet 145, MedGen C0677776, MeSH D061325, MONDO:0003582. Disease mechanism: loss of function.

Submission:

Lab of Molecular Oncology, Sapienza University of Rome
Classification: Pathogenic for Hereditary breast and ovarian cancer syndrome. Last evaluated: 2017-11-13. Review status: no assertion criteria provided. Collection method: clinical testing. Allele origin: de novo. Inheritance: Autosomal dominant inheritance. Affected: yes. Observed: 1 heterozygote.
Comment: The novel BRCA1 NG_005905.2: g.163181_169408del6228 LGR is responsible of 6228 nucleotides deletion, encompassing part of IVS20, exons 21-22 and IVS22. It originated from an erroneous homologous recombination process between an AluSq2 (Alu family, SINE class; chr17:41206762-41207066) and an AluSz (Alu family, SINE class; chr17:41200521-41200834) motifs.

Literature cited by the submitters: DOI 10.7717/peerj.7972.